The following is an entry in ClinVar:

NM_021975.4(RELA):c.1046A>G (p.Tyr349Cys)

Gene: RELA (RELA proto-oncogene, NF-kB subunit; minus strand). Cytogenetic location: 11q13.1.
Variant type: single nucleotide variant.
Coding change: c.1046A>G on transcript NM_021975.4 (MANE Select); coding-DNA position 1046, A replaced by G.
Protein change: p.Tyr349Cys; replaces tyrosine 349 with cysteine.
Molecular consequence: missense variant. On other transcripts: intron variant (1).
Genome position (GRCh38, 1-based): chr11:65,654,988, T>C on the plus strand (A>G on the coding strand, the complement: RELA is on the minus strand). VCF-style: chr11-65654988-T-C. GRCh37 (hg19) VCF-style: chr11-65422459-T-C.
Other names: c.1037A>G, p.Tyr346Cys (NM_001145138.2); c.1046A>G, p.Tyr349Cys (NM_001243985.2); c.1079A>G, p.Tyr360Cys (NM_001404657.1); c.1019A>G, p.Tyr340Cys (NM_001404658.1); c.833A>G, p.Tyr278Cys (NM_001404659.1); c.728A>G, p.Tyr243Cys (NM_001404660.1); c.665A>G, p.Tyr222Cys (NM_001404661.1); c.953A>G, p.Tyr318Cys (NM_001404662.1, NM_001404663.1); and 1 more; short protein forms Y243C, Y222C, Y340C, Y360C, Y346C, Y349C, Y278C, Y318C.
Identifiers: ClinVar variation 2746658 (VCV002746658.3), dbSNP rs2496828684, ClinGen allele CA381388409.
Genomic context (GRCh38, chr11:65,654,988, plus strand): 5'-GGAAACACCATGGTGGGAAACTCATCATAGTTGATGGTGCTCAGGGATGACGTAAAGGGA[T>C]AGGGCTGGGGTGCTGGAGGAGAGAGACAGAGAGGCAGGGGTCAGAGAAAGCCCTAGAGAT-3'
Protein context (NP_068810.3, residues 339-359): ASVPKPAPQP[Tyr349Cys]PFTSSLSTIN

ClinVar aggregate classification (germline): Uncertain significance (1 of 4 stars; one submission).

gnomAD v4.1: 2 of 1,599,642 alleles (0.00013%); highest among the groups gnomAD compares: South Asian, 0.0011%; no homozygotes.

Submission:

Labcorp Genetics (formerly Invitae), Labcorp
Classification: Uncertain significance. Last evaluated: 2023-05-29. Review status: criteria provided, single submitter. Criteria: Invitae Variant Classification Sherloc (09022015). Collection method: clinical testing. Allele origin: germline.
Comment: In summary, the available evidence is currently insufficient to determine the role of this variant in disease. Therefore, it has been classified as a Variant of Uncertain Significance. An algorithm developed to predict the effect of missense changes on protein structure and function (PolyPhen-2) suggests that this variant is likely to be disruptive. This variant has not been reported in the literature in individuals affected with RELA-related conditions. This variant is not present in population databases (gnomAD no frequency). This sequence change replaces tyrosine, which is neutral and polar, with cysteine, which is neutral and slightly polar, at codon 349 of the RELA protein (p.Tyr349Cys).